The following is an entry in ClinVar:

ClinVar aggregate classification (germline): Uncertain significance (1 of 4 stars; one submission).

Conditions:
Inborn genetic diseases. Identifiers: MedGen C0950123, MeSH D030342.

Submission:

Ambry Genetics
Classification: Uncertain significance for Inborn genetic diseases. Last evaluated: 2026-07-27. Review status: criteria provided, single submitter. Criteria: Ambry Variant Classification Scheme 2023. Collection method: clinical testing. Allele origin: germline.
Comment: The p.L366F variant (also known as c.1096C>T), located in coding exon 9 of the PAX5 gene, results from a C to T substitution at nucleotide position 1096. The leucine at codon 366 is replaced by phenylalanine, an amino acid with highly similar properties. This amino acid position is conserved. In addition, the in silico prediction for this alteration is inconclusive. Based on the available evidence, the clinical significance of this variant remains unclear.

NM_016734.3(PAX5):c.1096C>T (p.Leu366Phe)

Gene: PAX5 (paired box 5; minus strand). Cytogenetic location: 9p13.2.
Variant type: single nucleotide variant.
Coding change: c.1096C>T on transcript NM_016734.3 (MANE Select); coding-DNA position 1096, C replaced by T.
Protein change: p.Leu366Phe; replaces leucine 366 with phenylalanine.
Molecular consequence: missense variant. On other transcripts: synonymous variant (1), non-coding transcript variant (2), intron variant (5).
Genome position (GRCh38, 1-based): chr9:36,846,846, G>A on the plus strand (C>T on the coding strand, the complement: PAX5 is on the minus strand). VCF-style: chr9-36846846-G-A. GRCh37 (hg19) VCF-style: chr9-36846843-G-A.
Other names: c.994C>T, p.Leu332Phe (NM_001280547.2); c.864C>T, p.Cys288= (NM_001280549.2); c.967C>T, p.Leu323Phe (NM_001280554.2); c.796C>T, p.Leu266Phe (NM_001280555.2); c.772C>T, p.Leu258Phe (NM_001280556.2); c.587-6210C>T (NM_001280551.2); c.884-6210C>T (NM_001280553.2); c.781-6210C>T (NM_001280550.2); and 2 more; short protein forms L332F, L266F, L323F, L258F, L366F.
Identifiers: ClinVar variation 5026306 (VCV005026306.1).